The following is an entry in ClinVar:

ClinVar aggregate classification (germline): Likely benign (1 of 4 stars; one submission).

Conditions:
SIM1-related disorder. Also called: SIM1-related condition; SIM1-related disorders.

gnomAD v4.1: 3 of 1,614,168 alleles (0.00019%); highest among the groups gnomAD compares: Admixed American, 0.0017%; no homozygotes.

Submission:

PreventionGenetics, part of Exact Sciences
Classification: Likely benign for SIM1-related condition. Last evaluated: 2026-09-04. Review status: criteria provided, single submitter. Criteria: ACMG Guidelines, 2015. Collection method: clinical testing. Allele origin: germline.
Comment: This variant is classified as likely benign based on ACMG/AMP sequence variant interpretation guidelines (Richards et al. 2015 PMID: 25741868, with internal and published modifications).

NM_005068.3(SIM1):c.1836C>T (p.Pro612=)

Gene: SIM1 (SIM bHLH transcription factor 1; minus strand). Cytogenetic location: 6q16.3.
Variant type: single nucleotide variant.
Coding change: c.1836C>T on transcript NM_005068.3 (MANE Select); coding-DNA position 1836, C replaced by T.
Protein change: p.Pro612=; no amino-acid change (proline 612 retained).
Molecular consequence: synonymous variant.
Genome position (GRCh38, 1-based): chr6:100,390,826, G>A on the plus strand (C>T on the coding strand, the complement: SIM1 is on the minus strand). VCF-style: chr6-100390826-G-A. GRCh37 (hg19) VCF-style: chr6-100838702-G-A.
Other names: c.1836C>T, p.Pro612= (NM_001374769.1).
Identifiers: ClinVar variation 4979784 (VCV004979784.1).